The following is an entry in ClinVar:

ClinVar aggregate classification (germline): Pathogenic (1 of 4 stars; one submission).

Conditions:
SCN2A-related disorder. Also called: SCN2A-related condition; SCN2A-related disorders. Identifiers: MedGen CN382226, MONDO:1060245.

Submission:

Molecular Genetics Laboratory, Motol Hospital
Classification: Pathogenic for SCN2A-related disorder. Last evaluated: 2024-11-27. Review status: criteria provided, single submitter. Criteria: ACMG Guidelines, 2015. Collection method: clinical testing. Allele origin: de novo. Affected: yes. Observed: 1 variant allele.
Comment: The variant was confirmed to be of a de novo origin. Rare truncating loss-of-function variants affecting the SCN2A gene are documented as a molecular cause of a complex neurodevelopmental disorder (intellectual disability, autism, speech abnormality) (PMID:38651838;34894057;35348308;15028761). To conclude, the variant is classified as pathogenic (ACMG PVS1, PM2, PS2).

Literature cited by the submitters: PubMed 38651838; PubMed 34894057; PubMed 35348308; PubMed 15028761.

NM_001040142.2(SCN2A):c.1208dup (p.Phe404fs)

Gene: SCN2A (sodium voltage-gated channel alpha subunit 2; plus strand). Cytogenetic location: 2q24.3.
Variant type: Duplication.
Coding change: c.1208dup on transcript NM_001040142.2 (MANE Select); coding-DNA position 1208, one base duplicated (T; older notation c.1208dupT).
Protein change: p.Phe404fs; shifts the reading frame from phenylalanine 404.
Molecular consequence: frameshift variant.
Genome position (GRCh38, 1-based): chr2:165,313,933, T duplicated. VCF-style (leftmost placement, unchanged base first): chr2-165313932-A-AT. GRCh37 (hg19) VCF-style: chr2-166170442-A-AT.
Other names: c.1208dup, p.Phe404fs (NM_001040143.2, NM_001371246.1, NM_001371247.1 and 1 more transcripts); short protein forms F404fs.
Identifiers: ClinVar variation 3381753 (VCV003381753.2).